The following is an entry in ClinVar:

NC_000009.11:g.(?_111899735)_(111912020_?)dup

Gene: FRRS1L (ferric chelate reductase 1 like; minus strand). Cytogenetic location: 9q31.3.
Variant type: Duplication.
Identifiers: ClinVar variation 3245268 (VCV003245268.1).

ClinVar aggregate classification (germline): Uncertain significance (1 of 4 stars; one submission).

Conditions:
Developmental and epileptic encephalopathy, 37 (DEE37). Also called: Epileptic encephalopathy, early infantile, 37. Identifiers: MedGen C4310770, MONDO:0014859, OMIM 616981.

Submission:

Labcorp Genetics (formerly Invitae), Labcorp
Classification: Uncertain significance for Developmental and epileptic encephalopathy, 37. Last evaluated: 2022-08-21. Review status: criteria provided, single submitter. Criteria: Invitae Variant Classification Sherloc (09022015). Collection method: clinical testing. Allele origin: unknown.
Comment: In summary, the available evidence is currently insufficient to determine the role of this variant in disease. Therefore, it has been classified as a Variant of Uncertain Significance. This variant has not been reported in the literature in individuals affected with FRRS1L-related conditions. This variant is a gross deletion of the genomic region encompassing exon(s) 2-5 of the FRRS1L gene, which includes the termination codon. This deletion extends beyond the assayed region for this gene and therefore may encompass additional genes. While this deletion is not anticipated to lead to nonsense mediated decay, it is expected to alter mRNA translation or result in a truncated protein product.